The following is an entry in ClinVar:

ClinVar aggregate classification (germline): Uncertain significance. Review status: criteria provided, multiple submitters, no conflicts (2 of 4 stars). 3 submissions from 3 submitters: Uncertain significance (3). Last evaluated 2026-01-21.

Conditions:
Hereditary cancer-predisposing syndrome. Also called: Tumor predisposition; Hereditary neoplastic syndrome; Hereditary Cancer Syndrome; Neoplastic Syndromes, Hereditary. Identifiers: Orphanet 140162, MedGen C0027672, MeSH D009386, MONDO:0015356.

Allele frequency attached by ClinVar (database versions not stated): TOPMed below 0.00001.

Submissions (3):

Ambry Genetics
Classification: Uncertain significance for Hereditary cancer-predisposing syndrome. Last evaluated: 2026-01-21. Review status: criteria provided, single submitter. Criteria: Ambry Variant Classification Scheme 2023. Collection method: clinical testing. Allele origin: germline.
Comment: The c.484_485insAGGG variant, located in coding exon 1 of the HOXB13 gene, results from an insertion of 4 nucleotides at position 484, causing a translational frameshift with a predicted alternate stop codon (p.S162*). This alteration is expected to result in loss of function by premature protein truncation or nonsense-mediated mRNA decay. However, loss of function has not been established as a mechanism of disease. Based on the available evidence, the clinical significance of this variant remains unclear.

Labcorp Genetics (formerly Invitae), Labcorp
Classification: Uncertain significance. Last evaluated: 2024-04-10. Review status: criteria provided, single submitter. Criteria: Invitae Variant Classification Sherloc (09022015). Collection method: clinical testing. Allele origin: germline.
Comment: This sequence change creates a premature translational stop signal (p.Ser162*) in the HOXB13 gene. It is expected to result in an absent or disrupted protein product. However, the current clinical and genetic evidence is not sufficient to establish whether loss-of-function variants in HOXB13 cause disease. This variant is not present in population databases (gnomAD no frequency). This variant has not been reported in the literature in individuals affected with HOXB13-related conditions. ClinVar contains an entry for this variant (Variation ID: 953309). In summary, the available evidence is currently insufficient to determine the role of this variant in disease. Therefore, it has been classified as a Variant of Uncertain Significance.

GeneDx
Classification: Uncertain significance. Last evaluated: 2023-06-02. Review status: criteria provided, single submitter. Criteria: GeneDx Variant Classification Process June 2021. Collection method: clinical testing. Allele origin: germline. Affected: yes.
Comment: Not observed at significant frequency in large population cohorts (gnomAD); Has not been previously published as pathogenic or benign to our knowledge; Frameshift variant predicted to result in protein truncation or nonsense mediated decay in a gene for which loss-of-function is not an established mechanism of disease

NM_006361.6(HOXB13):c.484_485insAGGG (p.Ser162Ter)

Gene: HOXB13 (homeobox B13; minus strand). Cytogenetic location: 17q21.32.
Variant type: Insertion.
Coding change: c.484_485insAGGG on transcript NM_006361.6 (MANE Select); coding-DNA positions 484 to 485, AGGG inserted.
Protein change: p.Ser162Ter; replaces serine 162 with a stop codon.
Molecular consequence: nonsense.
Genome position: GRCh38 VCF-style: chr17-48728109-G-GCCCT. GRCh37 (hg19) VCF-style: chr17-46805471-G-GCCCT.
Other names: short protein forms S162*.
Identifiers: ClinVar variation 953309 (VCV000953309.9), dbSNP rs1273659815, ClinGen allele CA772658596.
Genomic context (GRCh38, chr17:48,728,109, plus strand): 5'-ATCTGGCTGTTCCAGCCACCAGCGAGAGCCCAAGACTGGTAACTGTCCACAGGCAACAGG[G>GCCCT]AGTCATGTCGCGGTTCTCCAGGAGCACCCAGAGTCTGCACCACAGACACGTCCAGGTAAC-3'